The following is an entry in ClinVar:

NM_000161.3(GCH1):c.230C>G (p.Ser77Cys)

Gene: GCH1 (GTP cyclohydrolase 1; minus strand). Cytogenetic location: 14q22.2.
Variant type: single nucleotide variant.
Coding change: c.230C>G on transcript NM_000161.3 (MANE Select); coding-DNA position 230, C replaced by G.
Protein change: p.Ser77Cys; replaces serine 77 with cysteine.
Molecular consequence: missense variant.
Genome position (GRCh38, 1-based): chr14:54,902,434, G>C on the plus strand (C>G on the coding strand, the complement: GCH1 is on the minus strand). VCF-style: chr14-54902434-G-C. GRCh37 (hg19) VCF-style: chr14-55369152-G-C.
Other names: c.230C>G, p.Ser77Cys (NM_001024024.2, NM_001024070.2, NM_001024071.2); short protein forms S77C.
Identifiers: ClinVar variation 577041 (VCV000577041.4), dbSNP rs748666093, ClinGen allele CA7193659.
Genomic context (GRCh38, chr14:54,902,434, plus strand): 5'-CTCCAGGGCGTCTTGAGCAGCCCTTGCCGCTGGGGGTTCTCGCCCAGCGAGCTCAGGATG[G>C]ACGAGTAGGCGGCTGCCAGGTTAGGGAGGTTCAGCTCGTTATCCTCCTCGCTGCGGGGCC-3'
Protein context (NP_000152.1, residues 67-87): NLPNLAAAYS[Ser77Cys]ILSSLGENPQ

ClinVar aggregate classification (germline): Uncertain significance (1 of 4 stars; one submission).

Conditions:
Dystonia 5 (DRD). Also called: GTP Cyclohydrolase 1-Deficient Dopa-Responsive Dystonia; DYSTONIA, PROGRESSIVE, WITH DIURNAL VARIATION; DYSTONIA-PARKINSONISM WITH DIURNAL FLUCTUATION; Dystonia, DOPA-responsive, with or without hyperphenylalaninemia; DYT-GCH1. Identifiers: Orphanet 98808, MedGen C1851920, MONDO:0007495, OMIM 128230.
GTP cyclohydrolase I deficiency. Identifiers: MedGen C0268467, MONDO:0100184.

Allele frequency attached by ClinVar (database versions not stated): gnomAD exomes below 0.00001; ExAC 0.00001; TOPMed 0.00001.
gnomAD v4.1: 2 of 1,613,020 alleles (0.00012%); highest among the groups gnomAD compares: East Asian, 0.0022%; no homozygotes.

Submission:

Labcorp Genetics (formerly Invitae), Labcorp
Classification: Uncertain significance for GTP cyclohydrolase I deficiency; Dystonia 5. Last evaluated: 2024-01-10. Review status: criteria provided, single submitter. Criteria: Invitae Variant Classification Sherloc (09022015). Collection method: clinical testing. Allele origin: germline.
Comment: This sequence change replaces serine, which is neutral and polar, with cysteine, which is neutral and slightly polar, at codon 77 of the GCH1 protein (p.Ser77Cys). This variant is present in population databases (rs748666093, gnomAD 0.006%). This missense change has been observed in individual(s) with clinical features of GCH1-related conditions (Invitae). ClinVar contains an entry for this variant (Variation ID: 577041). Advanced modeling of protein sequence and biophysical properties (such as structural, functional, and spatial information, amino acid conservation, physicochemical variation, residue mobility, and thermodynamic stability) performed at Invitae indicates that this missense variant is not expected to disrupt GCH1 protein function with a negative predictive value of 80%. In summary, the available evidence is currently insufficient to determine the role of this variant in disease. Therefore, it has been classified as a Variant of Uncertain Significance.